The following is an entry in ClinVar:

NM_020872.3(CNTN3):c.335G>T (p.Arg112Ile)

Gene: CNTN3 (contactin 3; minus strand). Cytogenetic location: 3p12.3.
Variant type: single nucleotide variant.
Coding change: c.335G>T on transcript NM_020872.3 (MANE Select); coding-DNA position 335, G replaced by T.
Protein change: p.Arg112Ile; replaces arginine 112 with isoleucine.
Molecular consequence: missense variant.
Genome position (GRCh38, 1-based): chr3:74,486,479, C>A on the plus strand (G>T on the coding strand, the complement: CNTN3 is on the minus strand). VCF-style: chr3-74486479-C-A. GRCh37 (hg19) VCF-style: chr3-74535630-C-A.
Other names: c.335G>T, p.Arg112Ile (NM_001393376.1); short protein forms R112I.
Identifiers: ClinVar variation 4997926 (VCV004997926.1).
Genomic context (GRCh38, chr3:74,486,479, plus strand): 5'-AATGTTGGATTTGCTAGACATGTGAACATAAACTTACAGGCAAACTGAAGTTTGGCTTCT[C>A]TGCTGACAATTGTTCCAAGTGAATTTGTTGCAAAACATTGGTAAGTTCCTGTATCCCAAT-3'
Protein context (NP_065923.1, residues 102-122): ATNSLGTIVS[Arg112Ile]EAKLQFAYLE

ClinVar aggregate classification (germline): Uncertain significance (1 of 4 stars; one submission).

Conditions:
CNTN3-related disorder. Also called: CNTN3-related condition.

Submission:

PreventionGenetics, part of Exact Sciences
Classification: Uncertain significance for CNTN3-related condition. Last evaluated: 2025-02-01. Review status: criteria provided, single submitter. Criteria: ACMG Guidelines, 2015. Collection method: clinical testing. Allele origin: germline.
Comment: The CNTN3 c.335G>T variant is predicted to result in the amino acid substitution p.Arg112Ile. To our knowledge, this variant has not been reported in the literature or in a large population database (gnomAD), indicating this variant is rare. At this time, the clinical significance of this variant is uncertain due to the absence of conclusive functional and genetic evidence.